The following is an entry in ClinVar:

ClinVar aggregate classification (germline): Likely pathogenic (1 of 4 stars; one submission).

Allele frequency attached by ClinVar (database versions not stated): gnomAD 0.00001; gnomAD exomes below 0.00001; ExAC 0.00001.
gnomAD v4.1: 2 of 1,613,846 alleles (0.00012%); highest among the groups gnomAD compares: African/African-American, 0.0027%; no homozygotes.

Submission:

GeneDx
Classification: Likely pathogenic. Last evaluated: 2018-09-28. Review status: criteria provided, single submitter. Criteria: GeneDx Variant Classification (06012015). Collection method: clinical testing. Allele origin: germline. Affected: yes.
Comment: The c.1129+2 T>C splice site variant has not been published as a pathogenic variant, nor has it been reported as a benign variant to our knowledge. The c.1129+2 T>C variant destroys the canonical splice donor site in intron 7. It is predicted to cause abnormal gene splicing, either leading to an abnormal message that is subject to nonsense-mediated mRNA decay, or to an abnormal protein product if the message is used for protein translation. Therefore, we interpret c.1129+2 T>C to be a likely pathogenic variant.

NM_001931.5(DLAT):c.1129+2T>C

Gene: DLAT (dihydrolipoamide S-acetyltransferase; plus strand). Cytogenetic location: 11q23.1.
Variant type: single nucleotide variant.
Coding change: c.1129+2T>C on transcript NM_001931.5 (MANE Select); the canonical splice donor site of the intron after coding-DNA position 1129, T replaced by C.
Molecular consequence: splice donor variant.
Genome position (GRCh38, 1-based): chr11:112,039,399, T>C. VCF-style: chr11-112039399-T-C. GRCh37 (hg19) VCF-style: chr11-111910123-T-C.
Other names: c.667+2T>C (NM_001372042.1); c.1129+2T>C (NM_001372031.1, NM_001372033.1, NM_001372035.1 and 1 more transcripts); c.814+2T>C (NM_001372039.1, NM_001372041.1); c.850+2T>C (NM_001372038.1); c.748+2T>C (NM_001372040.1); c.1096+2T>C (NM_001372034.1); c.1003+2T>C (NM_001372036.1); c.961+2T>C (NM_001372037.1).
Identifiers: ClinVar variation 432159 (VCV000432159.2), dbSNP rs782070173, ClinGen allele CA6276819.